The following is an entry in ClinVar:

NM_002734.5(PRKAR1A):c.1142_1145del (p.Val381fs)

Gene: PRKAR1A (protein kinase cAMP-dependent type I regulatory subunit alpha; plus strand). Cytogenetic location: 17q24.2.
Variant type: Microsatellite.
Coding change: c.1142_1145del on transcript NM_002734.5 (MANE Select); coding-DNA positions 1142 to 1145, 4 bases deleted (TCTG; older notation c.1142_1145delTCTG).
Protein change: p.Val381fs; shifts the reading frame from valine 381.
Molecular consequence: frameshift variant. On other transcripts: intron variant (1).
Genome position (GRCh38, 1-based): chr17:68,530,445-68,530,448, TCTG deleted; deleting any 4 consecutive bases within chr17:68,530,438-68,530,448 gives the same sequence; the c. name uses the placement nearest the transcript's 3' end. VCF-style (leftmost placement, unchanged base first): chr17-68530437-ACTGT-A. GRCh37 (hg19) VCF-style: chr17-66526578-ACTGT-A.
Other names: c.1142_1145del, p.Val381fs (NM_001276289.2, NM_001278433.2, NM_001369389.1 and 3 more transcripts); c.973+444_973+447del (NM_001276290.1); short protein forms V381fs.
Identifiers: ClinVar variation 1060577 (VCV001060577.9), dbSNP rs2143392408, ClinGen allele CA2580613242.

ClinVar aggregate classification (germline): Likely pathogenic (1 of 4 stars; one submission).

Conditions:
Carney complex, type 1 (CNC1). Also called: CARNEY COMPLEX, TYPE I; CARNEY MYXOMA-ENDOCRINE COMPLEX. Identifiers: Orphanet 1359, MedGen C2607929, MONDO:0008057, OMIM 160980.

Submission:

Labcorp Genetics (formerly Invitae), Labcorp
Classification: Likely pathogenic for Carney complex, type 1. Last evaluated: 2022-11-15. Review status: criteria provided, single submitter. Criteria: Invitae Variant Classification Sherloc (09022015). Collection method: clinical testing. Allele origin: germline.
Comment: In summary, the currently available evidence indicates that the variant is pathogenic, but additional data are needed to prove that conclusively. Therefore, this variant has been classified as Likely Pathogenic. Experimental studies have shown that this frameshift affects PRKAR1A function (PMID: 22205709). Algorithms developed to predict the effect of variants on protein structure and function are not available or were not evaluated for this variant. This frameshift has been observed in individuals with clinical features of Carney complex (PMID: 19293268, 22205709; Invitae). This variant is not present in population databases (gnomAD no frequency). This sequence change results in a frameshift in the PRKAR1A gene (p.Val381Glufs*59). While this is not anticipated to result in nonsense mediated decay, it is expected to disrupt the last 1 amino acid(s) of the PRKAR1A protein and extend the protein by 57 additional amino acid residues.

Literature cited by the submitters: PubMed 22205709; PubMed 19293268.